The following is an entry in ClinVar:

NM_001365536.1(SCN9A):c.596+1del

Gene: SCN9A (sodium voltage-gated channel alpha subunit 9; minus strand). Cytogenetic location: 2q24.3.
Variant type: Deletion.
Coding change: c.596+1del on transcript NM_001365536.1 (MANE Select); the canonical splice donor site of the intron after coding-DNA position 596, one base deleted (G; older notation c.596+1delG).
Molecular consequence: splice donor variant.
Genome position (GRCh38, 1-based): chr2:166,305,791, C deleted on the plus strand (G on the coding strand, the reverse complement: SCN9A is on the minus strand). VCF-style (leftmost placement, unchanged base first): chr2-166305790-AC-A. GRCh37 (hg19) VCF-style: chr2-167162300-AC-A.
Other names: c.596+1del (NM_002977.4).
Identifiers: ClinVar variation 2130576 (VCV002130576.5), dbSNP rs1698733988, ClinGen allele CA1304977622.

ClinVar aggregate classification (germline): Likely pathogenic (1 of 4 stars; one submission).

Conditions:
Neuropathy, hereditary sensory and autonomic, type 2A (HSAN2A). Also called: WNK1-Related HSAN2 (HSAN2A); HSAN IIA; ACROOSTEOLYSIS, GIACCAI TYPE; ACROOSTEOLYSIS, NEUROGENIC; MORVAN DISEASE; NEUROPATHY, CONGENITAL SENSORY. Identifiers: Orphanet 970, MedGen C2752089, MONDO:0024309, OMIM 201300.
Generalized epilepsy with febrile seizures plus, type 7 (GEFSP7). Also called: GEFS+, TYPE 7. Identifiers: Orphanet 36387, MedGen C2751778, MONDO:0013470, OMIM 613863.

Allele frequency attached by ClinVar (database versions not stated): TOPMed below 0.00001.

Submission:

Labcorp Genetics (formerly Invitae), Labcorp
Classification: Likely pathogenic for Neuropathy, hereditary sensory and autonomic, type 2A; Generalized epilepsy with febrile seizures plus, type 7. Last evaluated: 2024-10-24. Review status: criteria provided, single submitter. Criteria: Invitae Variant Classification Sherloc (09022015). Collection method: clinical testing. Allele origin: germline.
Comment: This sequence change affects a splice site in intron 5 of the SCN9A gene. It is expected to disrupt RNA splicing. Variants that disrupt the donor or acceptor splice site typically lead to a loss of protein function (PMID: 16199547), and loss-of-function variants in SCN9A are known to be pathogenic (PMID: 17470132, 19304393). This variant is not present in population databases (gnomAD no frequency). This variant has not been reported in the literature in individuals affected with SCN9A-related conditions. ClinVar contains an entry for this variant (Variation ID: 2130576). Algorithms developed to predict the effect of sequence changes on RNA splicing suggest that this variant may disrupt the consensus splice site. In summary, the currently available evidence indicates that the variant is pathogenic, but additional data are needed to prove that conclusively. Therefore, this variant has been classified as Likely Pathogenic.

Literature cited by the submitters: PubMed 16199547 (cited by Labcorp Genetics (formerly Invitae), Labcorp); PubMed 17470132 (cited by Labcorp Genetics (formerly Invitae), Labcorp); PubMed 19304393 (cited by Labcorp Genetics (formerly Invitae), Labcorp).